The following is an entry in ClinVar:

ClinVar aggregate classification (germline): Uncertain significance. Review status: criteria provided, multiple submitters, no conflicts (2 of 4 stars). 2 submissions from 2 submitters: Uncertain significance (2). Last evaluated 2022-12-01.

Allele frequency attached by ClinVar (database versions not stated): gnomAD exomes below 0.00001.
gnomAD v4.1: 2 of 1,561,128 alleles (0.00013%); highest among the groups gnomAD compares: Non-Finnish European, 0.00017%; no homozygotes.

Submissions (2):

Blueprint Genetics
Classification: Uncertain significance. Last evaluated: 2022-12-01. Review status: criteria provided, single submitter. Criteria: ACMG Guidelines, 2015. Collection method: clinical testing. Allele origin: germline.

Ambry Genetics
Classification: Uncertain significance. Last evaluated: 2021-08-04. Review status: criteria provided, single submitter. Criteria: Ambry Variant Classification Scheme 2023. Collection method: clinical testing. Allele origin: germline.
Comment: The p.P242L variant (also known as c.725C>T), located in coding exon 8 of the PRKDC gene, results from a C to T substitution at nucleotide position 725. The proline at codon 242 is replaced by leucine, an amino acid with similar properties. This amino acid position is conserved. In addition, this alteration is predicted to be tolerated by in silico analysis. Since supporting evidence is limited at this time, the clinical significance of this alteration remains unclear.

NM_006904.7(PRKDC):c.725C>T (p.Pro242Leu)

Gene: PRKDC (protein kinase, DNA-activated, catalytic subunit; minus strand). Cytogenetic location: 8q11.21.
Variant type: single nucleotide variant.
Coding change: c.725C>T on transcript NM_006904.7 (MANE Select); coding-DNA position 725, C replaced by T.
Protein change: p.Pro242Leu; replaces proline 242 with leucine.
Molecular consequence: missense variant.
Genome position (GRCh38, 1-based): chr8:47,944,026, G>A on the plus strand (C>T on the coding strand, the complement: PRKDC is on the minus strand). VCF-style: chr8-47944026-G-A. GRCh37 (hg19) VCF-style: chr8-48856586-G-A.
Other names: c.725C>T, p.Pro242Leu (NM_001081640.2); short protein forms P242L.
Identifiers: ClinVar variation 1757958 (VCV001757958.3), dbSNP rs1470793813, ClinGen allele CA371136744.